The following is an entry in ClinVar:

ClinVar aggregate classification (germline): Conflicting classifications of pathogenicity. Review status: criteria provided, conflicting classifications (1 of 4 stars). 5 submissions from 5 submitters: Uncertain significance (1); Likely benign (3). 1 of the submissions does not count toward it. Last evaluated 2025-07-30.

Conditions:
Cardiovascular phenotype. Identifiers: MedGen CN230736.
LIPA-related disorder. Also called: LIPA-related condition; LIPA-related disorders.
Wolman disease (WOLD). Also called: Acid cholesteryl ester hydrolase deficiency, Wolman type; Acid lipase disease; CHOLESTEROL ESTER HYDROLASE DEFICIENCY, COMPLETE; LYSOSOMAL ACID LIPASE DEFICIENCY, ACUTE INFANTILE; LYSOSOMAL ACID LIPASE DEFICIENCY, COMPLETE; LIPA DEFICIENCY, COMPLETE. Identifiers: Orphanet 75233, MedGen C0043208, MONDO:0019148, OMIM 620151.
Lysosomal acid lipase deficiency. Also called: Acid cholesteryl ester hydrolase deficiency, type 2. Identifiers: Orphanet 275761, MedGen C5574740, MONDO:0800449, MONDO:0010204.

Allele frequency attached by ClinVar (database versions not stated): ExAC 0.00001; gnomAD 0.00004 and 0.00005; gnomAD exomes 0.00004; TOPMed 0.00005; ESP Exome Variant Server 0.00008; 1000 Genomes Project 30x 0.00031; 1000 Genomes Project 0.00040.
gnomAD v4.1: 23 of 1,614,084 alleles (0.0014%); highest among the groups gnomAD compares: Admixed American, 0.012%; no homozygotes.

Submissions (5):

Labcorp Genetics (formerly Invitae), Labcorp
Classification: Likely benign for Wolman disease. Last evaluated: 2025-07-30. Review status: criteria provided, single submitter. Criteria: Invitae Variant Classification Sherloc (09022015). Collection method: clinical testing. Allele origin: germline.

GENinCode PLC
Classification: Likely benign for Lysosomal acid lipase deficiency. Last evaluated: 2023-06-12. Review status: criteria provided, single submitter. Criteria: ACMG Guidelines, 2015. Collection method: clinical testing. Allele origin: germline.
Comment: This is a synonymous (silent) variant that is not predicted by SpliceAI to impact splicing. In addition, it occurs at a nucleotide that is not conserved. Therefore this variant has been classified as Likely Benign (BP4, BP7).

Ambry Genetics
Classification: Likely benign for Cardiovascular phenotype. Last evaluated: 2023-04-14. Review status: criteria provided, single submitter. Criteria: Ambry Variant Classification Scheme 2023. Collection method: clinical testing. Allele origin: germline.

Eurofins Ntd Llc (ga)
Classification: Uncertain significance. Last evaluated: 2017-02-27. Review status: criteria provided, single submitter. Criteria: EGL Classification Definitions 2015. Collection method: clinical testing. Allele origin: germline. Observed: 2 variant alleles, 2 heterozygotes.

PreventionGenetics, part of Exact Sciences
Classification: Likely benign for LIPA-related condition. Last evaluated: 2021-09-16. Review status: no assertion criteria provided. Collection method: clinical testing. Allele origin: germline. Not counted in ClinVar's aggregate classification.
Comment: This variant is classified as likely benign based on ACMG/AMP sequence variant interpretation guidelines (Richards et al. 2015 PMID: 25741868, with internal and published modifications).

NM_000235.4(LIPA):c.714G>A (p.Ala238=)

Gene: LIPA (lipase A, lysosomal acid type; minus strand). Cytogenetic location: 10q23.31.
Variant type: single nucleotide variant.
Coding change: c.714G>A on transcript NM_000235.4 (MANE Select); coding-DNA position 714, G replaced by A.
Protein change: p.Ala238=; no amino-acid change (alanine 238 retained).
Molecular consequence: synonymous variant.
Genome position (GRCh38, 1-based): chr10:89,223,792, C>T on the plus strand (G>A on the coding strand, the complement: LIPA is on the minus strand). VCF-style: chr10-89223792-C-T. GRCh37 (hg19) VCF-style: chr10-90983549-C-T.
Other names: c.714G>A (NM_000235.2); c.714G>A, p.Ala238= (NM_001127605.3); c.366G>A, p.Ala122= (NM_001288979.2).
Identifiers: ClinVar variation 500649 (VCV000500649.21), dbSNP rs139282720, ClinGen allele CA5593633.